The following is an entry in ClinVar:

ClinVar aggregate classification (germline): Uncertain significance (1 of 4 stars; one submission).

Conditions:
BAP1-related tumor predisposition syndrome (TPDS1). Also called: COMMON Syndrome; TUMOR PREDISPOSITION SYNDROME 1; Tumor susceptibility linked to germline BAP1 mutations; BAP1 tumor predisposition syndrome. Identifiers: Orphanet 289539, MedGen C3280492, MONDO:0013692, OMIM 614327.

Submission:

Labcorp Genetics (formerly Invitae), Labcorp
Classification: Uncertain significance for BAP1-related tumor predisposition syndrome. Last evaluated: 2023-10-26. Review status: criteria provided, single submitter. Criteria: Invitae Variant Classification Sherloc (09022015). Collection method: clinical testing. Allele origin: germline.
Comment: This sequence change falls in intron 8 of the BAP1 gene. It does not directly change the encoded amino acid sequence of the BAP1 protein. This variant is not present in population databases (gnomAD no frequency). This variant has not been reported in the literature in individuals affected with BAP1-related conditions. Algorithms developed to predict the effect of sequence changes on RNA splicing suggest that this variant may disrupt the consensus splice site. In summary, the available evidence is currently insufficient to determine the role of this variant in disease. Therefore, it has been classified as a Variant of Uncertain Significance.

NM_004656.4(BAP1):c.660-14_660-3del

Gene: BAP1 (BRCA1 associated deubiquitinase 1; minus strand). Cytogenetic location: 3p21.1.
Variant type: Deletion.
Coding change: c.660-14_660-3del on transcript NM_004656.4 (MANE Select); 14 bases into the intron before coding-DNA position 660 through 3 bases into the intron before coding-DNA position 660, 12 bases deleted (GGCTGTGACTGC).
Molecular consequence: intron variant.
Genome position (GRCh38, 1-based): chr3:52,406,379-52,406,390, GCAGTCACAGCC deleted on the plus strand (GGCTGTGACTGC on the coding strand, the reverse complement: BAP1 is on the minus strand); deleting any 12 consecutive bases within chr3:52,406,379-52,406,394 gives the same sequence; the c. name uses the placement nearest the transcript's 3' end. VCF-style (leftmost placement, unchanged base first): chr3-52406378-TGCAGTCACAGCC-T. GRCh37 (hg19) VCF-style: chr3-52440394-TGCAGTCACAGCC-T.
Other names: c.660-68_660-57del (NM_001410772.1).
Identifiers: ClinVar variation 2771869 (VCV002771869.3), dbSNP rs2471344338, ClinGen allele CA2697556691.